The following is an entry in ClinVar:

NM_003238.6(TGFB2):c.754+10dup

Gene: TGFB2 (transforming growth factor beta 2; plus strand). Cytogenetic location: 1q41.
Variant type: Duplication.
Coding change: c.754+10dup on transcript NM_003238.6 (MANE Select); 10 bases into the intron after coding-DNA position 754, one base duplicated (A; older notation c.754+10dupA).
Molecular consequence: intron variant.
Genome position (GRCh38, 1-based): chr1:218,434,458, A duplicated; the last of 4 consecutive A bases (chr1:218,434,455-218,434,458); duplicating any one gives the same sequence. VCF-style (leftmost placement, unchanged base first): chr1-218434454-C-CA. GRCh37 (hg19) VCF-style: chr1-218607796-C-CA.
Other names: c.754+10dupA (NM_003238.3); c.838+10dup (NM_001135599.4).
Identifiers: ClinVar variation 421119 (VCV000421119.3), dbSNP rs1553303016, ClinGen allele CA16617064.

ClinVar aggregate classification (germline): Benign/Likely benign. Review status: criteria provided, multiple submitters, no conflicts (2 of 4 stars). 2 submissions from 2 submitters: Benign (1); Likely benign (1). Last evaluated 2024-03-21.

Conditions:
Loeys-Dietz syndrome 4 (LDS4). Also called: TGFB2-Related Loeys-Dietz Syndrome; ANEURYSM, AORTIC AND CEREBRAL, WITH ARTERIAL TORTUOSITY AND SKELETAL MANIFESTATIONS. Identifiers: MedGen C3553762, MONDO:0013897, OMIM 614816.

Submissions (2):

Labcorp Genetics (formerly Invitae), Labcorp
Classification: Benign for Loeys-Dietz syndrome 4. Last evaluated: 2024-03-21. Review status: criteria provided, single submitter. Criteria: Invitae Variant Classification Sherloc (09022015). Collection method: clinical testing. Allele origin: germline.

GeneDx
Classification: Likely benign. Last evaluated: 2016-05-06. Review status: criteria provided, single submitter. Criteria: GeneDx Variant Classification (06012015). Collection method: clinical testing. Allele origin: germline. Affected: yes.
Comment: This variant is considered likely benign or benign based on one or more of the following criteria: it is a conservative change, it occurs at a poorly conserved position in the protein, it is predicted to be benign by multiple in silico algorithms, and/or has population frequency not consistent with disease.